The following is an entry in ClinVar:

ClinVar aggregate classification (germline): Likely benign. Review status: criteria provided, multiple submitters, no conflicts (2 of 4 stars). 2 submissions from 2 submitters: Likely benign (2). Last evaluated 2025-10-09.

Conditions:
Ehlers-Danlos syndrome, classic type, 1 (EDSCL1). Also called: EDS I; EHLERS-DANLOS SYNDROME, GRAVIS TYPE; EHLERS-DANLOS SYNDROME, SEVERE CLASSIC TYPE; Ehlers-Danlos Syndrome, Classic Type, COL5A1-Related; Ehlers-Danlos syndrome, type 1. Identifiers: MedGen C0268335, MONDO:0019567, OMIM 130000.

Allele frequency attached by ClinVar (database versions not stated): ExAC 0.00002.
gnomAD v4.1: 21 of 1,613,832 alleles (0.0013%); highest among the groups gnomAD compares: East Asian, 0.0089%; no homozygotes.

Submissions (2):

Labcorp Genetics (formerly Invitae), Labcorp
Classification: Likely benign for Ehlers-Danlos syndrome, classic type, 1. Last evaluated: 2025-10-09. Review status: criteria provided, single submitter. Criteria: Invitae Variant Classification Sherloc (09022015). Collection method: clinical testing. Allele origin: germline.

GeneDx
Classification: Likely benign. Last evaluated: 2018-06-18. Review status: criteria provided, single submitter. Criteria: GeneDx Variant Classification (06012015). Collection method: clinical testing. Allele origin: germline. Affected: yes.
Comment: This variant is considered likely benign or benign based on one or more of the following criteria: it is a conservative change, it occurs at a poorly conserved position in the protein, it is predicted to be benign by multiple in silico algorithms, and/or has population frequency not consistent with disease.

NM_000093.5(COL5A1):c.787-8G>A

Gene: COL5A1 (collagen type V alpha 1 chain; plus strand). Cytogenetic location: 9q34.3.
Variant type: single nucleotide variant.
Coding change: c.787-8G>A on transcript NM_000093.5 (MANE Select); 8 bases into the intron before coding-DNA position 787, G replaced by A.
Molecular consequence: intron variant.
Genome position (GRCh38, 1-based): chr9:134,728,662, G>A. VCF-style: chr9-134728662-G-A. GRCh37 (hg19) VCF-style: chr9-137620508-G-A.
Other names: c.787-8G>A (NM_001278074.1).
Identifiers: ClinVar variation 672266 (VCV000672266.10), dbSNP rs780803048, ClinGen allele CA5318540.